The following is an entry in ClinVar:

NM_006269.2(RP1):c.4571_4589del (p.Ile1524fs)

Gene: RP1 (RP1 axonemal microtubule associated; plus strand). Cytogenetic location: 8q12.1.
Variant type: Deletion.
Coding change: c.4571_4589del on transcript NM_006269.2 (MANE Select); coding-DNA positions 4571 to 4589, 19 bases deleted (TTTATGAAATAATCAGTAA).
Protein change: p.Ile1524fs; shifts the reading frame from isoleucine 1524.
Molecular consequence: frameshift variant. On other transcripts: intron variant (1).
Genome position (GRCh38, 1-based): chr8:54,628,453-54,628,471, TTTATGAAATAATCAGTAA deleted; deleting any 19 consecutive bases within chr8:54,628,450-54,628,471 gives the same sequence; the c. name uses the placement nearest the transcript's 3' end. VCF-style (leftmost placement, unchanged base first): chr8-54628449-ATAATTTATGAAATAATCAG-A. GRCh37 (hg19) VCF-style: chr8-55541009-ATAATTTATGAAATAATCAG-A.
Other names: c.787+6165_787+6183del (NM_001375654.1); short protein forms I1524fs.
Identifiers: ClinVar variation 2815309 (VCV002815309.3), dbSNP rs2536585086, ClinGen allele CA2739279047.

ClinVar aggregate classification (germline): Pathogenic (1 of 4 stars; one submission).

Submission:

Labcorp Genetics (formerly Invitae), Labcorp
Classification: Pathogenic. Last evaluated: 2023-11-27. Review status: criteria provided, single submitter. Criteria: Invitae Variant Classification Sherloc (09022015). Collection method: clinical testing. Allele origin: germline.
Comment: This sequence change creates a premature translational stop signal (p.Ile1524Argfs*9) in the RP1 gene. While this is not anticipated to result in nonsense mediated decay, it is expected to disrupt the last 633 amino acid(s) of the RP1 protein. This variant is not present in population databases (gnomAD no frequency). This variant has not been reported in the literature in individuals affected with RP1-related conditions. This variant disrupts the C-terminus of the RP1 protein. Many variants that disrupt this region have been reported in individuals with either autosomal dominant or autosomal recessive retinitis pigmentosa (PMID: 11527933, 19933189, 29425069, 30027431, 33681214). Therefore, variants that disrupt this region are expected to be disease-causing. For these reasons, this variant has been classified as Pathogenic.

Literature cited by the submitters: PubMed 11527933; PubMed 19933189; PubMed 29425069; PubMed 30027431; PubMed 33681214.